The following is an entry in ClinVar:

NM_005359.6(SMAD4):c.937C>A (p.Pro313Thr)

Gene: SMAD4 (SMAD family member 4; plus strand). Cytogenetic location: 18q21.2.
Variant type: single nucleotide variant.
Coding change: c.937C>A on transcript NM_005359.6 (MANE Select); coding-DNA position 937, C replaced by A.
Protein change: p.Pro313Thr; replaces proline 313 with threonine.
Molecular consequence: missense variant.
Genome position (GRCh38, 1-based): chr18:51,059,898, C>A. VCF-style: chr18-51059898-C-A. GRCh37 (hg19) VCF-style: chr18-48586268-C-A.
Other names: short protein forms P313T.
Identifiers: ClinVar variation 1053264 (VCV001053264.11), dbSNP rs1909960229, ClinGen allele CA402463704.

ClinVar aggregate classification (germline): Uncertain significance. Review status: criteria provided, multiple submitters, no conflicts (2 of 4 stars). 2 submissions from 2 submitters: Uncertain significance (2). Last evaluated 2020-07-19.

Conditions:
Familial thoracic aortic aneurysm and aortic dissection (TAAD). Also called: Thoracic aortic aneurysms and dissections. Identifiers: Orphanet 91387, MedGen C4707243, MONDO:0019625.
Hereditary cancer-predisposing syndrome. Also called: Hereditary Cancer Syndrome; Tumor predisposition; Hereditary neoplastic syndrome; Neoplastic Syndromes, Hereditary. Identifiers: Orphanet 140162, MedGen C0027672, MeSH D009386, MONDO:0015356.
Juvenile polyposis syndrome (JPS). Identifiers: Orphanet 2929, MedGen C0345893, MONDO:0017380, OMIM 174900.

Submissions (2):

Labcorp Genetics (formerly Invitae), Labcorp
Classification: Uncertain significance for Juvenile polyposis syndrome. Last evaluated: 2020-07-19. Review status: criteria provided, single submitter. Criteria: Invitae Variant Classification Sherloc (09022015). Collection method: clinical testing. Allele origin: germline.
Comment: In summary, the available evidence is currently insufficient to determine the role of this variant in disease. Therefore, it has been classified as a Variant of Uncertain Significance. Algorithms developed to predict the effect of missense changes on protein structure and function are either unavailable or do not agree on the potential impact of this missense change (SIFT: "Deleterious"; PolyPhen-2: "Benign"; Align-GVGD: "Class C0"). This variant has not been reported in the literature in individuals with SMAD4-related conditions. This variant is not present in population databases (ExAC no frequency). This sequence change replaces proline with threonine at codon 313 of the SMAD4 protein (p.Pro313Thr). The proline residue is highly conserved and there is a small physicochemical difference between proline and threonine.

Ambry Genetics
Classification: Uncertain significance for Hereditary cancer-predisposing syndrome; Familial thoracic aortic aneurysm and aortic dissection. Last evaluated: 2019-07-16. Review status: criteria provided, single submitter. Criteria: Ambry Variant Classification Scheme 2023. Collection method: clinical testing. Allele origin: germline.
Comment: The p.P313T variant (also known as c.937C>A), located in coding exon 7 of the SMAD4 gene, results from a C to A substitution at nucleotide position 937. The proline at codon 313 is replaced by threonine, an amino acid with highly similar properties. This amino acid position is highly conserved in available vertebrate species. In addition, this alteration is predicted to be deleterious by in silico analysis. Since supporting evidence is limited at this time, the clinical significance of this alteration remains unclear.